The following is an entry in ClinVar:

ClinVar aggregate classification (germline): Uncertain significance. Review status: criteria provided, multiple submitters, no conflicts (2 of 4 stars). 3 submissions from 3 submitters: Uncertain significance (3). Last evaluated 2025-04-20.

Conditions:
Hereditary cancer-predisposing syndrome. Also called: Hereditary Cancer Syndrome; Hereditary neoplastic syndrome; Neoplastic Syndromes, Hereditary; Tumor predisposition. Identifiers: Orphanet 140162, MedGen C0027672, MeSH D009386, MONDO:0015356.
Endometrial carcinoma. Also called: Endometrial carcinoma, somatic. Identifiers: MedGen C0476089, MONDO:0002447, OMIM 608089, HP:0012114.

gnomAD v4.1: 1 of 1,614,064 alleles (0.000062%); highest among the groups gnomAD compares: East Asian, 0.0022%; no homozygotes.

Submissions (3):

Labcorp Genetics (formerly Invitae), Labcorp
Classification: Uncertain significance. Last evaluated: 2025-04-20. Review status: criteria provided, single submitter. Criteria: Invitae Variant Classification Sherloc (09022015). Collection method: clinical testing. Allele origin: germline.
Comment: This sequence change replaces glutamic acid, which is acidic and polar, with glutamine, which is neutral and polar, at codon 434 of the MSH3 protein (p.Glu434Gln). This variant is present in population databases (no rsID available, gnomAD 0.006%). This variant has not been reported in the literature in individuals affected with MSH3-related conditions. ClinVar contains an entry for this variant (Variation ID: 1769405). An algorithm developed to predict the effect of missense changes on protein structure and function (PolyPhen-2) suggests that this variant is likely to be tolerated. In summary, the available evidence is currently insufficient to determine the role of this variant in disease. Therefore, it has been classified as a Variant of Uncertain Significance.

Ambry Genetics
Classification: Uncertain significance for Hereditary cancer-predisposing syndrome. Last evaluated: 2024-05-24. Review status: criteria provided, single submitter. Criteria: Ambry Variant Classification Scheme 2023. Collection method: clinical testing. Allele origin: germline.
Comment: The p.E434Q variant (also known as c.1300G>C), located in coding exon 8 of the MSH3 gene, results from a G to C substitution at nucleotide position 1300. The glutamic acid at codon 434 is replaced by glutamine, an amino acid with highly similar properties. This amino acid position is not well conserved in available vertebrate species. In addition, this alteration is predicted to be tolerated by in silico analysis. Since supporting evidence is limited at this time, the clinical significance of this alteration remains unclear.

Baylor Genetics
Classification: Uncertain significance for Endometrial carcinoma. Last evaluated: 2023-10-20. Review status: criteria provided, single submitter. Criteria: ACMG Guidelines, 2015. Collection method: clinical testing. Allele origin: unknown.

NM_002439.5(MSH3):c.1300G>C (p.Glu434Gln)

Gene: MSH3 (mutS homolog 3; plus strand). Cytogenetic location: 5q14.1.
Variant type: single nucleotide variant.
Coding change: c.1300G>C on transcript NM_002439.5 (MANE Select); coding-DNA position 1300, G replaced by C.
Protein change: p.Glu434Gln; replaces glutamic acid 434 with glutamine.
Molecular consequence: missense variant.
Genome position (GRCh38, 1-based): chr5:80,679,053, G>C. VCF-style: chr5-80679053-G-C. GRCh37 (hg19) VCF-style: chr5-79974872-G-C.
Other names: short protein forms E434Q.
Identifiers: ClinVar variation 1769405 (VCV001769405.6), dbSNP rs765012540, ClinGen allele CA360269069.